The following is an entry in ClinVar:

ClinVar aggregate classification (germline): Uncertain significance (1 of 4 stars; one submission).

Conditions:
Congenital hyperammonemia, type I. Also called: Carbamoyl phosphate synthetase I deficiency disease; Carbamoyl-phosphate synthase I deficiency; CPS I DEFICIENCY; Carbamoyl phosphate synthetase 1 deficiency; Hyperammonemia due to carbamoyl phosphate synthetase 1 deficiency; CPS 1 deficiency. Identifiers: Orphanet 147, MedGen C4082171, MONDO:0009376, OMIM 237300.

Allele frequency attached by ClinVar (database versions not stated): gnomAD exomes below 0.00001; ExAC 0.00001; gnomAD 0.00001; TOPMed 0.00001.
gnomAD v4.1: 4 of 1,613,924 alleles (0.00025%); highest among the groups gnomAD compares: African/African-American, 0.0013%; no homozygotes.

Submission:

Labcorp Genetics (formerly Invitae), Labcorp
Classification: Uncertain significance for Congenital hyperammonemia, type I. Last evaluated: 2024-02-24. Review status: criteria provided, single submitter. Criteria: Invitae Variant Classification Sherloc (09022015). Collection method: clinical testing. Allele origin: germline.
Comment: This sequence change replaces glutamic acid, which is acidic and polar, with lysine, which is basic and polar, at codon 1098 of the CPS1 protein (p.Glu1098Lys). This variant is present in population databases (rs768579926, gnomAD 0.007%). This variant has not been reported in the literature in individuals affected with CPS1-related conditions. ClinVar contains an entry for this variant (Variation ID: 1388486). Advanced modeling of protein sequence and biophysical properties (such as structural, functional, and spatial information, amino acid conservation, physicochemical variation, residue mobility, and thermodynamic stability) performed at Invitae indicates that this missense variant is not expected to disrupt CPS1 protein function with a negative predictive value of 95%. In summary, the available evidence is currently insufficient to determine the role of this variant in disease. Therefore, it has been classified as a Variant of Uncertain Significance.

NM_001875.5(CPS1):c.3292G>A (p.Glu1098Lys)

Gene: CPS1 (carbamoyl-phosphate synthase 1; plus strand). Cytogenetic location: 2q34.
Variant type: single nucleotide variant.
Coding change: c.3292G>A on transcript NM_001875.5 (MANE Select); coding-DNA position 3292, G replaced by A.
Protein change: p.Glu1098Lys; replaces glutamic acid 1098 with lysine.
Molecular consequence: missense variant. On other transcripts: non-coding transcript variant (2).
Genome position (GRCh38, 1-based): chr2:210,648,013, G>A. VCF-style: chr2-210648013-G-A. GRCh37 (hg19) VCF-style: chr2-211512737-G-A.
Other names: c.3292G>A, p.Glu1098Lys (NM_001122633.3, NM_001369257.1); c.3325G>A, p.Glu1109Lys (NM_001369256.1); short protein forms E1109K, E1098K.
Identifiers: ClinVar variation 1388486 (VCV001388486.7), dbSNP rs768579926, ClinGen allele CA2086882.
Genomic context (GRCh38, chr2:210,648,013, plus strand): 5'-ACAAGCCCCCTGCAGATCGACAGGGCTGAGGATCGCTCCATCTTCTCAGCTGTCTTGGAT[G>A]AGCTGAAGGTGGCTCAGGCACCTTGGAAAGCTGTTAATACTTTGGTAAGGAGAGAAACAA-3'
Protein context (NP_001866.2, residues 1088-1108): DRSIFSAVLD[Glu1098Lys]LKVAQAPWKA